The following is an entry in ClinVar:

ClinVar aggregate classification (germline): Uncertain significance (1 of 4 stars; one submission).

Conditions:
Joubert syndrome. Also called: CEREBELLOPARENCHYMAL DISORDER IV; JOUBERT-BOLTSHAUSER SYNDROME; Familial aplasia of the vermis. Identifiers: Orphanet 475, MedGen C5979921, MONDO:0018772.
Nephronophthisis. Also called: Juvenile Nephronophthisis. Identifiers: Orphanet 655, MedGen C0687120, MONDO:0019005, HP:0000090.
Meckel-Gruber syndrome. Also called: DYSENCEPHALIA SPLANCHNOCYSTICA; GRUBER SYNDROME; Dysencephalia splachnocystica. Identifiers: Orphanet 564, MedGen C0265215, MONDO:0018921.

Submission:

Labcorp Genetics (formerly Invitae), Labcorp
Classification: Uncertain significance for Joubert syndrome; Meckel-Gruber syndrome; Nephronophthisis. Last evaluated: 2022-08-08. Review status: criteria provided, single submitter. Criteria: Invitae Variant Classification Sherloc (09022015). Collection method: clinical testing. Allele origin: germline.
Comment: In summary, the available evidence is currently insufficient to determine the role of this variant in disease. Therefore, it has been classified as a Variant of Uncertain Significance. Algorithms developed to predict the effect of missense changes on protein structure and function are either unavailable or do not agree on the potential impact of this missense change (SIFT: "Deleterious"; PolyPhen-2: "Possibly Damaging"; Align-GVGD: "Class C0"). This variant has not been reported in the literature in individuals affected with CEP290-related conditions. This variant is not present in population databases (gnomAD no frequency). This sequence change replaces isoleucine, which is neutral and non-polar, with phenylalanine, which is neutral and non-polar, at codon 1573 of the CEP290 protein (p.Ile1573Phe).

NM_025114.4(CEP290):c.4717A>T (p.Ile1573Phe)

Gene: CEP290 (centrosomal protein 290; minus strand). Cytogenetic location: 12q21.32.
Variant type: single nucleotide variant.
Coding change: c.4717A>T on transcript NM_025114.4 (MANE Select); coding-DNA position 4717, A replaced by T.
Protein change: p.Ile1573Phe; replaces isoleucine 1573 with phenylalanine.
Molecular consequence: missense variant.
Genome position (GRCh38, 1-based): chr12:88,083,942, T>A on the plus strand (A>T on the coding strand, the complement: CEP290 is on the minus strand). VCF-style: chr12-88083942-T-A. GRCh37 (hg19) VCF-style: chr12-88477719-T-A.
Other names: short protein forms I1573F.
Identifiers: ClinVar variation 2124631 (VCV002124631.4), dbSNP rs2499974471, ClinGen allele CA385994058.